The following is an entry in ClinVar:

NM_004104.5(FASN):c.5644C>G (p.Pro1882Ala)

Gene: FASN (fatty acid synthase; minus strand). Cytogenetic location: 17q25.3.
Variant type: single nucleotide variant.
Coding change: c.5644C>G on transcript NM_004104.5 (MANE Select); coding-DNA position 5644, C replaced by G.
Protein change: p.Pro1882Ala; replaces proline 1882 with alanine.
Molecular consequence: missense variant.
Genome position (GRCh38, 1-based): chr17:82,083,037, G>C on the plus strand (C>G on the coding strand, the complement: FASN is on the minus strand). VCF-style: chr17-82083037-G-C. GRCh37 (hg19) VCF-style: chr17-80040913-G-C.
Other names: short protein forms P1882A.
Identifiers: ClinVar variation 2277304 (VCV002277304.6), dbSNP rs200630695, ClinGen allele CA8851609.

ClinVar aggregate classification (germline): Uncertain significance. Review status: criteria provided, multiple submitters, no conflicts (2 of 4 stars). 2 submissions from 2 submitters: Uncertain significance (2). Last evaluated 2025-08-11.

Conditions:
Epileptic encephalopathy. Identifiers: MedGen C0543888, HP:0200134.

Allele frequency attached by ClinVar (database versions not stated): ExAC 0.00004; gnomAD 0.00004; ESP Exome Variant Server 0.00008; gnomAD exomes 0.00015.
gnomAD v4.1: 223 of 1,612,730 alleles (0.014%); highest among the groups gnomAD compares: Non-Finnish European, 0.019%; no homozygotes.

Submissions (2):

Ambry Genetics
Classification: Uncertain significance. Last evaluated: 2025-08-11. Review status: criteria provided, single submitter. Criteria: Ambry Variant Classification Scheme 2023. Collection method: clinical testing. Allele origin: germline.

Labcorp Genetics (formerly Invitae), Labcorp
Classification: Uncertain significance for Epileptic encephalopathy. Last evaluated: 2024-06-28. Review status: criteria provided, single submitter. Criteria: Invitae Variant Classification Sherloc (09022015). Collection method: clinical testing. Allele origin: germline.
Comment: This sequence change replaces proline, which is neutral and non-polar, with alanine, which is neutral and non-polar, at codon 1882 of the FASN protein (p.Pro1882Ala). This variant is present in population databases (rs200630695, gnomAD 0.006%). This variant has not been reported in the literature in individuals affected with FASN-related conditions. ClinVar contains an entry for this variant (Variation ID: 2277304). An algorithm developed to predict the effect of missense changes on protein structure and function (PolyPhen-2) suggests that this variant is likely to be tolerated. In summary, the available evidence is currently insufficient to determine the role of this variant in disease. Therefore, it has been classified as a Variant of Uncertain Significance.